The following is an entry in ClinVar:

ClinVar aggregate classification (germline): Likely benign (1 of 4 stars; one submission).

Allele frequency attached by ClinVar (database versions not stated): TOPMed 0.00027; 1000 Genomes Project 30x 0.00031; ESP Exome Variant Server 0.00031; 1000 Genomes Project 0.00040; gnomAD exomes 0.00044; gnomAD 0.00049; ExAC 0.00078.
gnomAD v4.1: 712 of 1,611,058 alleles (0.044%); highest among the groups gnomAD compares: Non-Finnish European, 0.046%; no homozygotes.

Submission:

CeGaT Center for Human Genetics Tuebingen
Classification: Likely benign. Last evaluated: 2022-04-01. Review status: criteria provided, single submitter. Criteria: CeGaT Center For Human Genetics Tuebingen Variant Classification Criteria Version 2. Collection method: clinical testing. Allele origin: germline. Affected: yes. Observed: 1 variant allele.
Comment: PRSS23: BP4, BP7

NM_007173.6(PRSS23):c.18G>A (p.Gly6=)

Gene: PRSS23 (serine protease 23; plus strand). Cytogenetic location: 11q14.2.
Variant type: single nucleotide variant.
Coding change: c.18G>A on transcript NM_007173.6 (MANE Select); coding-DNA position 18, G replaced by A.
Protein change: p.Gly6=; no amino-acid change (glycine 6 retained).
Molecular consequence: synonymous variant.
Genome position (GRCh38, 1-based): chr11:86,807,661, G>A. VCF-style: chr11-86807661-G-A. GRCh37 (hg19) VCF-style: chr11-86518703-G-A.
Other names: c.18G>A, p.Gly6= (NM_001293179.2, NM_001293180.2).
Identifiers: ClinVar variation 2642255 (VCV002642255.24), dbSNP rs148849426, ClinGen allele CA6218032.